The following is an entry in ClinVar:

ClinVar aggregate classification (germline): Uncertain significance (1 of 4 stars; one submission).

Allele frequency attached by ClinVar (database versions not stated): gnomAD exomes below 0.00001.

Submission:

GeneDx
Classification: Uncertain significance. Last evaluated: 2019-10-09. Review status: criteria provided, single submitter. Criteria: GeneDx Variant Classification Process June 2021. Collection method: clinical testing. Allele origin: germline. Affected: yes.
Comment: Frameshift variant predicted to result in protein truncation as the last 37 amino acids are lost and replaced with 49 incorrect amino acids, although loss-of-function variants have not been reported downstream of this position in the protein; Not observed in large population cohorts (Lek et al., 2016); Has not been previously published as pathogenic or benign to our knowledge

NM_000142.5(FGFR3):c.2309del (p.Tyr770fs)

Gene: FGFR3 (fibroblast growth factor receptor 3; plus strand). Cytogenetic location: 4p16.3.
Variant type: Deletion.
Coding change: c.2309del on transcript NM_000142.5 (MANE Select); coding-DNA position 2309, one base deleted (A; older notation c.2309delA).
Protein change: p.Tyr770fs; shifts the reading frame from tyrosine 770.
Molecular consequence: frameshift variant. On other transcripts: non-coding transcript variant (1).
Genome position (GRCh38, 1-based): chr4:1,807,150, A deleted. VCF-style (leftmost placement, unchanged base first): chr4-1807149-TA-T. GRCh37 (hg19) VCF-style: chr4-1808876-TA-T.
Other names: c.2241del, p.Leu748fs (NM_001354810.2); c.1973del, p.Tyr658fs (NM_022965.4); c.2315del, p.Tyr772fs (NM_001163213.2); c.2312del, p.Tyr771fs (NM_001354809.2); short protein forms L748fs, Y658fs, Y770fs, Y771fs, Y772fs.
Identifiers: ClinVar variation 1309204 (VCV001309204.2), dbSNP rs1486795772, ClinGen allele CA791741909.